The following is an entry in ClinVar:

NM_001394062.1(MACF1):c.11585T>C (p.Leu3862Pro)

Gene: MACF1 (microtubule actin crosslinking factor 1; plus strand). Cytogenetic location: 1p34.3.
Variant type: single nucleotide variant.
Coding change: c.11585T>C on transcript NM_001394062.1 (MANE Select); coding-DNA position 11585, T replaced by C.
Protein change: p.Leu3862Pro; replaces leucine 3862 with proline.
Molecular consequence: missense variant.
Genome position (GRCh38, 1-based): chr1:39,357,535, T>C. VCF-style: chr1-39357535-T-C. GRCh37 (hg19) VCF-style: chr1-39823207-T-C.
Other names: c.5399T>C, p.Leu1800Pro (NM_012090.5); short protein forms L1800P, L3862P.
Identifiers: ClinVar variation 3373412 (VCV003373412.1).

ClinVar aggregate classification (germline): Uncertain significance (1 of 4 stars; one submission).

Submission:

GeneDx
Classification: Uncertain significance. Last evaluated: 2024-05-03. Review status: criteria provided, single submitter. Criteria: GeneDx Variant Classification Process June 2021. Collection method: clinical testing. Allele origin: germline. Affected: yes.
Comment: Not observed at significant frequency in large population cohorts (gnomAD); In silico analysis supports that this missense variant has a deleterious effect on protein structure/function; Has not been previously published as pathogenic or benign to our knowledge